The following is an entry in ClinVar:

NM_001673.5(ASNS):c.1031-1G>A

Genes: ASNS (asparagine synthetase (glutamine-hydrolyzing); minus strand), CZ1P-ASNS (CZ1P-ASNS readthrough; minus strand). Cytogenetic location: 7q21.3.
Variant type: single nucleotide variant.
Coding change: c.1031-1G>A on transcript NM_001673.5 (MANE Select); the canonical splice acceptor site of the intron before coding-DNA position 1031, G replaced by A.
Molecular consequence: splice acceptor variant.
Genome position (GRCh38, 1-based): chr7:97,855,460, C>T on the plus strand (G>A on the coding strand, the complement: ASNS is on the minus strand). VCF-style: chr7-97855460-C-T. GRCh37 (hg19) VCF-style: chr7-97484772-C-T.
Other names: c.1031-1G>A (NM_001352496.2, NM_183356.4, NM_133436.3); c.782-1G>A (NM_001178076.2, NM_001178077.1); c.968-1G>A (NM_001178075.2).
Identifiers: ClinVar variation 3638071 (VCV003638071.2).
Genomic context (GRCh38, chr7:97,855,460, plus strand): 5'-CAGAGAAGATCACCACGCTATCTGTGTTCTTCCGAATATACTTGGAAATTAAATACATAC[C>T]TTAAATGAGAGAGAGAAATTAACTTTAATGTCAACATAACCTTCCACCAAAAATGCCTTT-3'

ClinVar aggregate classification (germline): Likely pathogenic (1 of 4 stars; one submission).

Submission:

Labcorp Genetics (formerly Invitae), Labcorp
Classification: Likely pathogenic. Last evaluated: 2024-10-01. Review status: criteria provided, single submitter. Criteria: Invitae Variant Classification Sherloc (09022015). Collection method: clinical testing. Allele origin: germline.
Comment: This sequence change affects an acceptor splice site in intron 8 of the ASNS gene. It is expected to disrupt RNA splicing. Variants that disrupt the donor or acceptor splice site typically lead to a loss of protein function (PMID: 16199547), and loss-of-function variants in ASNS are known to be pathogenic (PMID: 27422383, 30057589). This variant is not present in population databases (gnomAD no frequency). This variant has not been reported in the literature in individuals affected with ASNS-related conditions. Algorithms developed to predict the effect of sequence changes on RNA splicing suggest that this variant may disrupt the consensus splice site. In summary, the currently available evidence indicates that the variant is pathogenic, but additional data are needed to prove that conclusively. Therefore, this variant has been classified as Likely Pathogenic.

Literature cited by the submitters: PubMed 16199547; PubMed 27422383; PubMed 30057589.